The following is an entry in ClinVar:

NM_000535.7(PMS2):c.321G>T (p.Arg107=)

Gene: PMS2 (PMS1 homolog 2, mismatch repair system component; minus strand). Cytogenetic location: 7p22.1.
Variant type: single nucleotide variant.
Coding change: c.321G>T on transcript NM_000535.7 (MANE Select); coding-DNA position 321, G replaced by T.
Protein change: p.Arg107=; no amino-acid change (arginine 107 retained).
Molecular consequence: synonymous variant. On other transcripts: 5 prime UTR variant (9), non-coding transcript variant (1), intron variant (2).
Genome position (GRCh38, 1-based): chr7:6,003,722, C>A on the plus strand (G>T on the coding strand, the complement: PMS2 is on the minus strand). VCF-style: chr7-6003722-C-A. GRCh37 (hg19) VCF-style: chr7-6043353-C-A.
Other names: c.-85G>T (NM_001322003.2, NM_001322004.2, NM_001322005.2 and 3 more transcripts); c.321G>T, p.Arg107= (NM_001322006.2, NM_001322014.2); c.-564G>T (NM_001322011.2, NM_001322012.2); c.-164G>T (NM_001322015.2); c.35+250G>T (NM_001322008.2, NM_001322007.2).
Identifiers: ClinVar variation 383318 (VCV000383318.16), dbSNP rs756420858, ClinGen allele CA049170.
Genomic context (GRCh38, chr7:6,003,722, plus strand): 5'-AAGTGAGTGGATAAAAATATTGTATCACCTCAGTGCACAAAGTGAGCTCAGAGCTTCCCC[C>A]CGAAAGCCAAAAGTTTCAACCTGAGTTAGGTCGGCAAACTCTTGAATCTTAGATGTGTGA-3'
Protein context (NP_000526.2, residues 97-117): DLTQVETFGF[Arg107=]GEALSSLCAL

ClinVar aggregate classification (germline): Conflicting classifications of pathogenicity. Review status: criteria provided, conflicting classifications (1 of 4 stars). 6 submissions from 6 submitters: Uncertain significance (1); Benign (1); Likely benign (4). Last evaluated 2025-07-03.

Conditions:
Lynch syndrome 4 (LYNCH4). Also called: Colorectal cancer, hereditary nonpolyposis, type 4; Hereditary non-polyposis colorectal cancer, type 4. Identifiers: Orphanet 144, MedGen C1838333, MONDO:0013699, OMIM 614337. Disease mechanism: loss of function.
Mismatch repair cancer syndrome 4. Identifiers: MedGen C5436817, MONDO:0030843, OMIM 619101.
Hereditary nonpolyposis colorectal neoplasms. Identifiers: MedGen C0009405, MeSH D003123.
Hereditary cancer-predisposing syndrome. Also called: Hereditary Cancer Syndrome; Hereditary neoplastic syndrome; Neoplastic Syndromes, Hereditary; Tumor predisposition. Identifiers: Orphanet 140162, MedGen C0027672, MeSH D009386, MONDO:0015356.

Allele frequency attached by ClinVar (database versions not stated): TOPMed 0.00001.
gnomAD v4.1: 8 of 1,598,118 alleles (0.0005%); highest among the groups gnomAD compares: South Asian, 0.0011%; no homozygotes.

Submissions (6):

Labcorp Genetics (formerly Invitae), Labcorp
Classification: Likely benign for Hereditary nonpolyposis colorectal neoplasms. Last evaluated: 2025-07-03. Review status: criteria provided, single submitter. Criteria: Invitae Variant Classification Sherloc (09022015). Collection method: clinical testing. Allele origin: germline.

Department of Pathology and Laboratory Medicine, Sinai Health System
Classification: Likely benign for Lynch syndrome 4; Mismatch repair cancer syndrome 4. Last evaluated: 2025-01-28. Review status: criteria provided, single submitter. Criteria: ACMG Guidelines, 2015. Collection method: clinical testing. Allele origin: germline.

Myriad Genetics, Inc.
Classification: Benign for Lynch syndrome 4. Last evaluated: 2025-01-24. Review status: criteria provided, single submitter. Criteria: Myriad Autosomal Dominant, Autosomal Recessive and X-Linked Classification Criteria (2023). Collection method: clinical testing. Allele origin: unknown.
Comment: This variant is considered benign. This variant is a silent/synonymous amino acid change and it is not expected to impact splicing.

Color Diagnostics, LLC DBA Color Health
Classification: Uncertain significance for Hereditary cancer-predisposing syndrome. Last evaluated: 2024-08-12. Review status: criteria provided, single submitter. Criteria: ACMG Guidelines, 2015. Collection method: clinical testing. Allele origin: germline.
Comment: This synonymous variant is located in the PMS2 gene. Splice prediction tools indicate that this variant may disrupt RNA splicing. To our knowledge, functional studies have not been reported for this variant. This variant has not been reported in individuals affected with PMS2-related disorders in the literature. This variant has been identified in 1/236556 chromosomes in the general population by the Genome Aggregation Database (gnomAD). The available evidence is insufficient to determine the role of this variant in disease conclusively. Therefore, this variant is classified as a Variant of Uncertain Significance.

Ambry Genetics
Classification: Likely benign for Hereditary cancer-predisposing syndrome. Last evaluated: 2017-11-20. Review status: criteria provided, single submitter. Criteria: Ambry Variant Classification Scheme 2023. Collection method: clinical testing. Allele origin: germline.

GeneDx
Classification: Likely benign. Last evaluated: 2016-01-21. Review status: criteria provided, single submitter. Criteria: GeneDx Variant Classification (06012015). Collection method: clinical testing. Allele origin: germline. Affected: yes.
Comment: This variant is considered likely benign or benign based on one or more of the following criteria: it is a conservative change, it occurs at a poorly conserved position in the protein, it is predicted to be benign by multiple in silico algorithms, and/or has population frequency not consistent with disease.